The following is an entry in ClinVar:

NM_018076.5(ODAD2):c.1205C>T (p.Pro402Leu)

Gene: ODAD2 (outer dynein arm docking complex subunit 2; minus strand). Cytogenetic location: 10p12.1.
Variant type: single nucleotide variant.
Coding change: c.1205C>T on transcript NM_018076.5 (MANE Select); coding-DNA position 1205, C replaced by T.
Protein change: p.Pro402Leu; replaces proline 402 with leucine.
Molecular consequence: missense variant. On other transcripts: intron variant (1).
Genome position (GRCh38, 1-based): chr10:27,968,956, G>A on the plus strand (C>T on the coding strand, the complement: ODAD2 is on the minus strand). VCF-style: chr10-27968956-G-A. GRCh37 (hg19) VCF-style: chr10-28257885-G-A.
Other names: c.1205C>T, p.Pro402Leu (NM_001290020.2); c.281C>T, p.Pro94Leu (NM_001312689.2); c.-187-7241C>T (NM_001290021.2); short protein forms P402L, P94L.
Identifiers: ClinVar variation 1799576 (VCV001799576.2), dbSNP rs1848650969, ClinGen allele CA376393700.

ClinVar aggregate classification (germline): Uncertain significance (1 of 4 stars; one submission).

Conditions:
Primary ciliary dyskinesia. Also called: Ciliary dyskinesia. Identifiers: Orphanet 244, MedGen C0008780, MONDO:0016575, HP:0012265.

Allele frequency attached by ClinVar (database versions not stated): gnomAD exomes 0.00001.

Submission:

Ambry Genetics
Classification: Uncertain significance for Primary ciliary dyskinesia. Last evaluated: 2019-11-20. Review status: criteria provided, single submitter. Criteria: Ambry Variant Classification Scheme 2023. Collection method: clinical testing. Allele origin: germline.
Comment: The p.P402L variant (also known as c.1205C>T), located in coding exon 8 of the ARMC4 gene, results from a C to T substitution at nucleotide position 1205. The proline at codon 402 is replaced by leucine, an amino acid with similar properties. This amino acid position is not well conserved in available vertebrate species. In addition, this alteration is predicted to be tolerated by in silico analysis. Since supporting evidence is limited at this time, the clinical significance of this alteration remains unclear.